The following is an entry in ClinVar:

NM_003803.4(MYOM1):c.3190C>T (p.His1064Tyr)

Gene: MYOM1 (myomesin 1; minus strand). Cytogenetic location: 18p11.31.
Variant type: single nucleotide variant.
Coding change: c.3190C>T on transcript NM_003803.4 (MANE Select); coding-DNA position 3190, C replaced by T.
Protein change: p.His1064Tyr; replaces histidine 1064 with tyrosine.
Molecular consequence: missense variant.
Genome position (GRCh38, 1-based): chr18:3,116,444, G>A on the plus strand (C>T on the coding strand, the complement: MYOM1 is on the minus strand). VCF-style: chr18-3116444-G-A. GRCh37 (hg19) VCF-style: chr18-3116442-G-A.
Other names: c.2902C>T, p.His968Tyr (NM_019856.2); short protein forms H1064Y, H968Y.
Identifiers: ClinVar variation 222744 (VCV000222744.17), dbSNP rs755409090, ClinGen allele CA068965.

ClinVar aggregate classification (germline): Conflicting classifications of pathogenicity. Review status: criteria provided, conflicting classifications (1 of 4 stars). 4 submissions from 4 submitters: Uncertain significance (2); Likely benign (2). Last evaluated 2025-12-20.

Conditions:
Hypertrophic cardiomyopathy. Also called: HYPERTROPHIC MYOCARDIOPATHY. Identifiers: Orphanet 217569, MedGen C0007194, MeSH D002312, MONDO:0005045, HP:0001639.

Allele frequency attached by ClinVar (database versions not stated): ExAC 0.00001; TOPMed 0.00001; gnomAD 0.00002; gnomAD exomes 0.00002 and 0.00003.
gnomAD v4.1: 39 of 1,612,330 alleles (0.0024%); highest among the groups gnomAD compares: Non-Finnish European, 0.002%; no homozygotes.

Submissions (4):

Labcorp Genetics (formerly Invitae), Labcorp
Classification: Uncertain significance for Hypertrophic cardiomyopathy. Last evaluated: 2025-12-20. Review status: criteria provided, single submitter. Criteria: Invitae Variant Classification Sherloc (09022015). Collection method: clinical testing. Allele origin: germline.
Comment: This sequence change replaces histidine, which is basic and polar, with tyrosine, which is neutral and polar, at codon 1064 of the MYOM1 protein (p.His1064Tyr). This variant is present in population databases (rs755409090, gnomAD 0.01%). This variant has not been reported in the literature in individuals affected with MYOM1-related conditions. ClinVar contains an entry for this variant (Variation ID: 222744). Invitae Evidence Modeling of protein sequence and biophysical properties (such as structural, functional, and spatial information, amino acid conservation, physicochemical variation, residue mobility, and thermodynamic stability) indicates that this missense variant is not expected to disrupt MYOM1 protein function with a negative predictive value of 80%. In summary, the available evidence is currently insufficient to determine the role of this variant in disease. Therefore, it has been classified as a Variant of Uncertain Significance.

Blueprint Genetics
Classification: Uncertain significance. Last evaluated: 2024-09-17. Review status: criteria provided, single submitter. Criteria: ACMG Guidelines, 2015. Collection method: clinical testing. Allele origin: germline.

Ambry Genetics
Classification: Likely benign. Last evaluated: 2024-02-28. Review status: criteria provided, single submitter. Criteria: Ambry Variant Classification Scheme 2023. Collection method: clinical testing. Allele origin: germline.

Laboratory for Molecular Medicine, Mass General Brigham Personalized Medicine
Classification: Likely benign. Last evaluated: 2017-06-27. Review status: criteria provided, single submitter. Criteria: LMM Criteria. Collection method: clinical testing. Allele origin: germline. Observed: 1 variant allele.
Comment: p.His1064Tyr in exon 21 of MYOM1: This variant is not expected to have clinical significance due to a lack of conservation across species, including mammals. Of note, histidine (His) at position 1064 is not conserved in mammals or evolution arily distant species, and 39 species carry a tyrosine (Tyr), supporting that th is change may be tolerated. This variant has been identified in 3/25290 of Finni sh chromosomes by the genome Aggregation Database (gnomAD; dbSNP rs75540909), and has been reported in ClinVar (Variation ID# 222744).